The following is an entry in ClinVar:

ClinVar aggregate classification (germline): Pathogenic (1 of 4 stars; one submission).

Submission:

Labcorp Genetics (formerly Invitae), Labcorp
Classification: Pathogenic. Last evaluated: 2022-09-01. Review status: criteria provided, single submitter. Criteria: Invitae Variant Classification Sherloc (09022015). Collection method: clinical testing. Allele origin: germline.
Comment: This sequence change creates a premature translational stop signal (p.Glu144*) in the KCNV2 gene. It is expected to result in an absent or disrupted protein product. Loss-of-function variants in KCNV2 are known to be pathogenic (PMID: 16909397, 18235024). This variant is not present in population databases (gnomAD no frequency). This variant has not been reported in the literature in individuals affected with KCNV2-related conditions. ClinVar contains an entry for this variant (Variation ID: 1350298). For these reasons, this variant has been classified as Pathogenic.

Literature cited by the submitters: PubMed 16909397; PubMed 18235024.

NM_133497.4(KCNV2):c.430G>T (p.Glu144Ter)

Gene: KCNV2 (potassium voltage-gated channel modifier subfamily V member 2; plus strand). Cytogenetic location: 9p24.2.
Variant type: single nucleotide variant.
Coding change: c.430G>T on transcript NM_133497.4 (MANE Select); coding-DNA position 430, G replaced by T.
Protein change: p.Glu144Ter; replaces glutamic acid 144 with a stop codon.
Molecular consequence: nonsense.
Genome position (GRCh38, 1-based): chr9:2,718,169, G>T. VCF-style: chr9-2718169-G-T. GRCh37 (hg19) VCF-style: chr9-2718169-G-T.
Other names: short protein forms E144*.
Identifiers: ClinVar variation 1350298 (VCV001350298.6), dbSNP rs777051584, ClinGen allele CA372796965.
Genomic context (GRCh38, chr9:2,718,169, plus strand): 5'-GGTCGCCTGGCCACCTCCACCAGCCGCAGCCGCCAGCTAAGCCTGTGCGACGACTACGAG[G>T]AGCAGACAGACGAATACTTCTTCGACCGCGACCCGGCCGTCTTCCAGCTGGTCTACAATT-3'